The following is an entry in ClinVar:

ClinVar aggregate classification (germline): Likely pathogenic. Review status: criteria provided, multiple submitters, no conflicts (2 of 4 stars). 3 submissions from 3 submitters: Likely pathogenic (3). Last evaluated 2026-01-03.

Conditions:
Amyotrophic lateral sclerosis type 16. Also called: AMYOTROPHIC LATERAL SCLEROSIS 16, JUVENILE. Identifiers: Orphanet 300605, MedGen C3280587, MONDO:0013715, OMIM 614373.
Autosomal recessive distal spinal muscular atrophy 2. Also called: NEURONOPATHY, DISTAL HEREDITARY MOTOR, JERASH TYPE; NEUROPATHY, DISTAL HEREDITARY MOTOR, JERASH TYPE; NEUROPATHY, DISTAL HEREDITARY MOTOR, AUTOSOMAL RECESSIVE 2; SPINAL MUSCULAR ATROPHY, JERASH TYPE; Hereditary motor neuropathy, Jerash type; Motor neuropathy, distal, Jerash type. Identifiers: Orphanet 139552, MedGen C1854023, MONDO:0011585, OMIM 605726.

Submissions (3):

Dasa
Classification: Likely pathogenic. Last evaluated: 2026-01-03. Review status: criteria provided, single submitter. Criteria: DASA Assertion Criteria. Collection method: clinical testing. Allele origin: germline.
Comment: NM_005866.4(SIGMAR1):c.561_576del (p.Asp188Profs*69) is a frameshift variant in SIGMAR1 predicted to alter the reading frame and introduce a premature termination codon and is predicted to result in an absent or altered protein product. Loss of function is an established disease mechanism for SIGMAR1-associated disorders. This variant has been recurrently observed in individuals with SIGMAR1-related disorders (PMID: 30079398; PMID: 36222432). Also, this variant is rare in population databases. Based on the currently available evidence, this variant is classified as likely pathogenic.

Labcorp Genetics (formerly Invitae), Labcorp
Classification: Likely pathogenic for Autosomal recessive distal spinal muscular atrophy 2; Amyotrophic lateral sclerosis type 16. Last evaluated: 2025-10-14. Review status: criteria provided, single submitter. Criteria: Invitae Variant Classification Sherloc (09022015). Collection method: clinical testing. Allele origin: germline.
Comment: This sequence change is expected to alter the c-terminus of the SIGMAR1 protein (p.Asp188Profs*69). While this is not anticipated to result in nonsense mediated decay, it is expected to disrupt the last 36 amino acid(s) of the SIGMAR1 protein and extend the protein by 32 additional amino acid residues. This variant is not present in population databases (gnomAD no frequency). This frameshift has been observed in individual(s) with clinical features of SIGMAR1-related conditions and/or distal hereditary motor neuropathy (PMID: 30079398, 36222432). In at least one individual the data is consistent with being in trans (on the opposite chromosome) from a pathogenic variant. ClinVar contains an entry for this variant (Variation ID: 431075). In summary, the currently available evidence indicates that the variant is pathogenic, but additional data are needed to prove that conclusively. Therefore, this variant has been classified as Likely Pathogenic.

NeuroMeGen, Hospital Clinico Santiago de Compostela
Classification: Likely pathogenic for Amyotrophic lateral sclerosis type 16. Review status: criteria provided, single submitter. Criteria: ACMG Guidelines, 2015. Collection method: clinical testing. Allele origin: germline. Affected: yes. Observed: 1 homozygote.

Literature cited by the submitters: PubMed 30079398 (cited by Dasa and Labcorp Genetics (formerly Invitae), Labcorp); PubMed 36222432 (cited by Dasa and Labcorp Genetics (formerly Invitae), Labcorp).

NM_005866.4(SIGMAR1):c.561_576del (p.Asp188fs)

Gene: SIGMAR1 (sigma receptor chaperone 1; minus strand). Cytogenetic location: 9p13.3.
Variant type: Deletion.
Coding change: c.561_576del on transcript NM_005866.4 (MANE Select); coding-DNA positions 561 to 576, 16 bases deleted (CGACACTGTCTTCAGC).
Protein change: p.Asp188fs; shifts the reading frame from aspartic acid 188.
Molecular consequence: frameshift variant. On other transcripts: 3 prime UTR variant (2), non-coding transcript variant (1), intron variant (1).
Genome position (GRCh38, 1-based): chr9:34,635,728-34,635,743, GCTGAAGACAGTGTCG deleted on the plus strand (CGACACTGTCTTCAGC on the coding strand, the reverse complement: SIGMAR1 is on the minus strand); deleting any 16 consecutive bases within chr9:34,635,728-34,635,745 gives the same sequence; the c. name uses the placement nearest the transcript's 3' end. VCF-style (leftmost placement, unchanged base first): chr9-34635727-TGCTGAAGACAGTGTCG-T. GRCh37 (hg19) VCF-style: chr9-34635724-TGCTGAAGACAGTGTCG-T.
Other names: c.261_276del, p.Asp88fs (NM_001282206.2); c.501_516del, p.Asp168fs (NM_001282207.2); c.*104_*119del (NM_001282208.2); c.*88_*103del (NM_001282209.2); c.468_483del, p.Asp157fs (NM_147157.3); c.446-103_446-88del (NM_001282205.2); short protein forms D168fs, D157fs, D188fs, D88fs.
Identifiers: ClinVar variation 431075 (VCV000431075.9), dbSNP rs1554707680, ClinGen allele CA645372485.